The following is an entry in ClinVar:

NM_022436.3(ABCG5):c.1164G>A (p.Thr388=)

Genes: ABCG5 (ATP binding cassette subfamily G member 5; minus strand), DYNC2LI1 (dynein cytoplasmic 2 light intermediate chain 1; plus strand). Cytogenetic location: 2p21.
Variant type: single nucleotide variant.
Coding change: c.1164G>A on transcript NM_022436.3 (MANE Select); coding-DNA position 1164, G replaced by A.
Protein change: p.Thr388=; no amino-acid change (threonine 388 retained).
Molecular consequence: synonymous variant. On other transcripts: intron variant (2).
Genome position (GRCh38, 1-based): chr2:43,824,073, C>T on the plus strand (G>A on the coding strand, the complement: ABCG5 is on the minus strand). VCF-style: chr2-43824073-C-T. GRCh37 (hg19) VCF-style: chr2-44051212-C-T.
Other names: c.*16-3313C>T (NM_001348913.2, NM_001348912.2).
Identifiers: ClinVar variation 1737825 (VCV001737825.5), dbSNP rs145755348, ClinGen allele CA1636379.

ClinVar aggregate classification (germline): Likely benign. Review status: criteria provided, multiple submitters, no conflicts (2 of 4 stars). 3 submissions from 3 submitters: Likely benign (3). Last evaluated 2026-01-21.

Conditions:
ABCG5-related disorder. Also called: ABCG5-related condition.
Cardiovascular phenotype. Identifiers: MedGen CN230736.
Sitosterolemia (STSL). Also called: PHYTOSTEROLEMIA. Identifiers: Orphanet 2882, MedGen C0342907, MONDO:0008863.

Allele frequency attached by ClinVar (database versions not stated): ESP Exome Variant Server 0.00015; ExAC 0.00002; TOPMed 0.00006; gnomAD 0.00009.
gnomAD v4.1: 23 of 1,614,188 alleles (0.0014%); highest among the groups gnomAD compares: African/African-American, 0.021%; no homozygotes.

Submissions (3):

Labcorp Genetics (formerly Invitae), Labcorp
Classification: Likely benign for Sitosterolemia. Last evaluated: 2026-01-21. Review status: criteria provided, single submitter. Criteria: Invitae Variant Classification Sherloc (09022015). Collection method: clinical testing. Allele origin: germline.

PreventionGenetics, part of Exact Sciences
Classification: Likely benign for ABCG5-related condition. Last evaluated: 2025-06-09. Review status: criteria provided, single submitter. Criteria: ACMG Guidelines, 2015. Collection method: clinical testing. Allele origin: germline.
Comment: This variant is classified as likely benign based on ACMG/AMP sequence variant interpretation guidelines (Richards et al. 2015 PMID: 25741868, with internal and published modifications).

Ambry Genetics
Classification: Likely benign for Cardiovascular phenotype. Last evaluated: 2020-12-26. Review status: criteria provided, single submitter. Criteria: Ambry Variant Classification Scheme 2023. Collection method: clinical testing. Allele origin: germline.